The following is an entry in ClinVar:

ClinVar aggregate classification (germline): Pathogenic (1 of 4 stars; one submission).

Submission:

MVZ Dr. Eberhard & Partner Dortmund
Classification: Pathogenic. Last evaluated: 2019-05-31. Review status: criteria provided, single submitter. Criteria: ACMG Guidelines, 2015. Collection method: clinical testing. Allele origin: unknown. Observed: 1 heterozygote.
Comment: This transversion is a nonsense substitution which is supposed to lead to a premature stop codon (p.(Ser28*)). The mRNA might be targeted for NMD. The variants p.Ser22* and p.Gln30* located nearby are listed as disease-causing mutations in HGMD.

NM_000313.4(PROS1):c.83C>G (p.Ser28Ter)

Gene: PROS1 (protein S; minus strand). Cytogenetic location: 3q11.1.
Variant type: single nucleotide variant.
Coding change: c.83C>G on transcript NM_000313.4 (MANE Select); coding-DNA position 83, C replaced by G.
Protein change: p.Ser28Ter; replaces serine 28 with a stop codon.
Molecular consequence: nonsense.
Genome position (GRCh38, 1-based): chr3:93,927,401, G>C on the plus strand (C>G on the coding strand, the complement: PROS1 is on the minus strand). VCF-style: chr3-93927401-G-C. GRCh37 (hg19) VCF-style: chr3-93646245-G-C.
Other names: c.179C>G, p.Ser60Ter (NM_001314077.2); short protein forms S28*, S60*.
Identifiers: ClinVar variation 827664 (VCV000827664.2), dbSNP rs1576198449, ClinGen allele CA353674735.